The following is an entry in ClinVar:

NC_000014.9:g.106639380T>C

Genes: IGH (immunoglobulin heavy locus; minus strand), IGHV4-61 (immunoglobulin heavy variable 4-61; minus strand). Cytogenetic location: 14q32.33.
Variant type: single nucleotide variant.
Genome position: GRCh38 VCF-style: chr14-106639380-T-C. GRCh37 (hg19) VCF-style: chr14-107095385-T-C.
Identifiers: ClinVar variation 2644934 (VCV002644934.23), dbSNP rs200884489, ClinGen allele CA266765617.

ClinVar aggregate classification (germline): Likely benign (1 of 4 stars; one submission).

Allele frequency attached by ClinVar (database versions not stated): 1000 Genomes Project 0.00020; 1000 Genomes Project 30x 0.00125; gnomAD 0.00221; ESP Exome Variant Server 0.00245; ExAC 0.00421.

Submission:

CeGaT Center for Human Genetics Tuebingen
Classification: Likely benign. Last evaluated: 2023-01-01. Review status: criteria provided, single submitter. Criteria: CeGaT Center For Human Genetics Tuebingen Variant Classification Criteria Version 2. Collection method: clinical testing. Allele origin: germline. Affected: yes. Observed: 1 variant allele.
Comment: RNA5SP389: BS2